The following is an entry in ClinVar:

NM_004628.5(XPC):c.1872+2T>C

Gene: XPC (XPC complex subunit, DNA damage recognition and repair factor; minus strand). Cytogenetic location: 3p25.1.
Variant type: single nucleotide variant.
Coding change: c.1872+2T>C on transcript NM_004628.5 (MANE Select); the canonical splice donor site of the intron after coding-DNA position 1872, T replaced by C.
Molecular consequence: splice donor variant. On other transcripts: intron variant (1).
Genome position (GRCh38, 1-based): chr3:14,158,009, A>G on the plus strand (T>C on the coding strand, the complement: XPC is on the minus strand). VCF-style: chr3-14158009-A-G. GRCh37 (hg19) VCF-style: chr3-14199509-A-G.
Other names: NM_004628.5:c.1872+2T>C; c.1293+2T>C (NM_001354726.2); c.1626+248T>C (NM_001354730.2); c.1872+2T>C (NM_001354727.2); c.1854+2T>C (NM_001354729.2).
Identifiers: ClinVar variation 1322012 (VCV001322012.9), dbSNP rs2125024504, ClinGen allele CA351538844.

ClinVar aggregate classification (germline): Likely pathogenic (1 of 4 stars; one submission).

Submissions (3):

Labcorp Genetics (formerly Invitae), Labcorp
Classification: Likely pathogenic. Last evaluated: 2022-04-13. Review status: criteria provided, single submitter. Criteria: Invitae Variant Classification Sherloc (09022015). Collection method: clinical testing. Allele origin: germline.
Comment: In summary, the currently available evidence indicates that the variant is pathogenic, but additional data are needed to prove that conclusively. Therefore, this variant has been classified as Likely Pathogenic. Algorithms developed to predict the effect of sequence changes on RNA splicing suggest that this variant may disrupt the consensus splice site. ClinVar contains an entry for this variant (Variation ID: 1322012). This variant has not been reported in the literature in individuals affected with XPC-related conditions. This variant is not present in population databases (gnomAD no frequency). This sequence change affects a donor splice site in intron 9 of the XPC gene. It is expected to disrupt RNA splicing. Variants that disrupt the donor or acceptor splice site typically lead to a loss of protein function (PMID: 16199547), and loss-of-function variants in XPC are known to be pathogenic (PMID: 23173980, 25256075).

Dr. Peter K. Rogan Lab, Western University
No classification provided (evidence only). Condition: Melanoma. Review status: no classification provided. Collection method: in vitro. Allele origin: not applicable. Functional consequence: retained intron. Not counted in ClinVar's aggregate classification.

MutSpliceDB: a database of splice sites variants effects on splicing, NIH
No classification provided (evidence only). Review status: no classification provided. Collection method: in vivo. Allele origin: not applicable. Functional consequence: retained intron. Not counted in ClinVar's aggregate classification.

Literature cited by the submitters: PubMed 16199547 (cited by Labcorp Genetics (formerly Invitae), Labcorp); PubMed 23173980 (cited by Labcorp Genetics (formerly Invitae), Labcorp); PubMed 25256075 (cited by Labcorp Genetics (formerly Invitae), Labcorp).